The following is an entry in ClinVar:

NM_052876.4(NACC1):c.309G>A (p.Thr103=)

Gene: NACC1 (nucleus accumbens associated 1; plus strand). Cytogenetic location: 19p13.13.
Variant type: single nucleotide variant.
Coding change: c.309G>A on transcript NM_052876.4 (MANE Select); coding-DNA position 309, G replaced by A.
Protein change: p.Thr103=; no amino-acid change (threonine 103 retained).
Molecular consequence: synonymous variant.
Genome position (GRCh38, 1-based): chr19:13,135,516, G>A. VCF-style: chr19-13135516-G-A. GRCh37 (hg19) VCF-style: chr19-13246330-G-A.
Identifiers: ClinVar variation 727268 (VCV000727268.11), dbSNP rs138480405, ClinGen allele CA9238255.

ClinVar aggregate classification (germline): Likely benign. Review status: criteria provided, single submitter (1 of 4 stars). 2 submissions from 2 submitters: Likely benign (1). 1 of the submissions does not count toward it. Last evaluated 2026-01-12.

Conditions:
NACC1-related disorder. Also called: NACC1-related condition.

Allele frequency attached by ClinVar (database versions not stated): gnomAD exomes 0.00005 and 0.00009; ExAC 0.00012; 1000 Genomes Project 30x 0.00016; 1000 Genomes Project 0.00020; gnomAD 0.00053 and 0.00058; TOPMed 0.00060; ESP Exome Variant Server 0.00077.
gnomAD v4.1: 160 of 1,613,614 alleles (0.0099%); highest among the groups gnomAD compares: African/African-American, 0.19%; no homozygotes.

Submissions (2):

Labcorp Genetics (formerly Invitae), Labcorp
Classification: Likely benign. Last evaluated: 2026-01-12. Review status: criteria provided, single submitter. Criteria: Invitae Variant Classification Sherloc (09022015). Collection method: clinical testing. Allele origin: germline.

PreventionGenetics, part of Exact Sciences
Classification: Likely benign for NACC1-related condition. Last evaluated: 2022-12-20. Review status: no assertion criteria provided. Collection method: clinical testing. Allele origin: germline. Not counted in ClinVar's aggregate classification.
Comment: This variant is classified as likely benign based on ACMG/AMP sequence variant interpretation guidelines (Richards et al. 2015 PMID: 25741868, with internal and published modifications).